The following is an entry in ClinVar:

ClinVar aggregate classification (germline): Uncertain significance. Review status: criteria provided, multiple submitters, no conflicts (2 of 4 stars). 2 submissions from 2 submitters: Uncertain significance (2). Last evaluated 2025-01-27.

Conditions:
Inborn genetic diseases. Identifiers: MedGen C0950123, MeSH D030342.
Polyglucosan body myopathy type 1 (PGBM1). Also called: POLYGLUCOSAN BODY MYOPATHY WITHOUT IMMUNODEFICIENCY; Polyglucosan body myopathy 1 with or without immunodeficiency. Identifiers: Orphanet 329173, Orphanet 397937, MedGen C4014605, MONDO:0014389, OMIM 615895.

Allele frequency attached by ClinVar (database versions not stated): gnomAD 0.00001; gnomAD exomes 0.00001; TOPMed 0.00001; ExAC 0.00002.
gnomAD v4.1: 18 of 1,613,886 alleles (0.0011%); highest among the groups gnomAD compares: Non-Finnish European, 0.0013%; no homozygotes.

Submissions (2):

Ambry Genetics
Classification: Uncertain significance for Inborn genetic diseases. Last evaluated: 2025-01-27. Review status: criteria provided, single submitter. Criteria: Ambry Variant Classification Scheme 2023. Collection method: clinical testing. Allele origin: germline.

Labcorp Genetics (formerly Invitae), Labcorp
Classification: Uncertain significance for Polyglucosan body myopathy type 1. Last evaluated: 2022-05-30. Review status: criteria provided, single submitter. Criteria: Invitae Variant Classification Sherloc (09022015). Collection method: clinical testing. Allele origin: germline.
Comment: This sequence change replaces valine, which is neutral and non-polar, with alanine, which is neutral and non-polar, at codon 97 of the RBCK1 protein (p.Val97Ala). This variant is present in population databases (rs764728866, gnomAD 0.004%). This variant has not been reported in the literature in individuals affected with RBCK1-related conditions. Algorithms developed to predict the effect of missense changes on protein structure and function output the following: SIFT: "Not Available"; PolyPhen-2: "Benign"; Align-GVGD: "Not Available". The alanine amino acid residue is found in multiple mammalian species, which suggests that this missense change does not adversely affect protein function. In summary, the available evidence is currently insufficient to determine the role of this variant in disease. Therefore, it has been classified as a Variant of Uncertain Significance.

NM_031229.4(RBCK1):c.290T>C (p.Val97Ala)

Gene: RBCK1 (RANBP2-type and C3HC4-type zinc finger containing 1; plus strand). Cytogenetic location: 20p13.
Variant type: single nucleotide variant.
Coding change: c.290T>C on transcript NM_031229.4 (MANE Select); coding-DNA position 290, T replaced by C.
Protein change: p.Val97Ala; replaces valine 97 with alanine.
Molecular consequence: missense variant. On other transcripts: 5 prime UTR variant (2), non-coding transcript variant (1).
Genome position (GRCh38, 1-based): chr20:417,760, T>C. VCF-style: chr20-417760-T-C. GRCh37 (hg19) VCF-style: chr20-398404-T-C.
Other names: c.-60T>C (NM_001323956.2, NM_001323958.2); c.341T>C, p.Val114Ala (NM_001410770.1); c.164T>C, p.Val55Ala (NM_006462.6); c.290T>C (NM_031229.2); short protein forms V55A, V114A, V97A.
Identifiers: ClinVar variation 2161817 (VCV002161817.2), dbSNP rs764728866, ClinGen allele CA9723041.